The following is an entry in ClinVar:

ClinVar aggregate classification (germline): Benign/Likely benign. Review status: criteria provided, multiple submitters, no conflicts (2 of 4 stars). 3 submissions from 3 submitters: Benign (1); Likely benign (2). Last evaluated 2024-05-24.

Conditions:
Ataxia-telangiectasia syndrome (AT). Also called: LOUIS-BAR SYNDROME; Ataxia-telangiectasia, complementation group E; Ataxia-telangiectasia; Ataxia telangiectasia (A-T); Ataxia-telangiectasia, complementation group D; AT, COMPLEMENTATION GROUP C. Identifiers: Orphanet 100, MedGen C0004135, MONDO:0008840, OMIM 208900.
Familial cancer of breast. Also called: BREAST CANCER, FAMILIAL; Hereditary breast cancer; hereditary breast carcinoma. Identifiers: Orphanet 227535, MedGen C0346153, MONDO:0016419, OMIM 114480. Disease mechanism: loss of function.

gnomAD v4.1: 2 of 1,611,148 alleles (0.00012%); highest among the groups gnomAD compares: South Asian, 0.0011%; no homozygotes.

Submissions (3):

Myriad Genetics, Inc.
Classification: Benign for Familial cancer of breast. Last evaluated: 2024-05-24. Review status: criteria provided, single submitter. Criteria: Myriad Autosomal Dominant, Autosomal Recessive and X-Linked Classification Criteria (2023). Collection method: clinical testing. Allele origin: unknown.
Comment: This variant is considered benign. This variant is a silent/synonymous amino acid change and it is not expected to impact splicing.

Blueprint Genetics
Classification: Likely benign. Last evaluated: 2022-05-25. Review status: criteria provided, single submitter. Criteria: ACMG Guidelines, 2015. Collection method: clinical testing. Allele origin: germline.

Labcorp Genetics (formerly Invitae), Labcorp
Classification: Likely benign for Ataxia-telangiectasia syndrome. Last evaluated: 2022-05-19. Review status: criteria provided, single submitter. Criteria: Invitae Variant Classification Sherloc (09022015). Collection method: clinical testing. Allele origin: germline.

NM_000051.4(ATM):c.5752A>C (p.Arg1918=)

Gene: ATM (ATM serine/threonine kinase; plus strand). Cytogenetic location: 11q22.3.
Variant type: single nucleotide variant.
Coding change: c.5752A>C on transcript NM_000051.4 (MANE Select); coding-DNA position 5752, A replaced by C.
Protein change: p.Arg1918=; no amino-acid change (arginine 1918 retained).
Molecular consequence: synonymous variant.
Genome position (GRCh38, 1-based): chr11:108,307,974, A>C. VCF-style: chr11-108307974-A-C. GRCh37 (hg19) VCF-style: chr11-108178701-A-C.
Other names: c.5752A>C, p.Arg1918= (NM_001351834.2).
Identifiers: ClinVar variation 1996561 (VCV001996561.6), dbSNP rs2547006303, ClinGen allele CA476675255.